The following is an entry in ClinVar:

NM_000548.5(TSC2):c.1469T>C (p.Ile490Thr)

Gene: TSC2 (TSC complex subunit 2; plus strand). Cytogenetic location: 16p13.3.
Variant type: single nucleotide variant.
Coding change: c.1469T>C on transcript NM_000548.5 (MANE Select); coding-DNA position 1469, T replaced by C.
Protein change: p.Ile490Thr; replaces isoleucine 490 with threonine.
Molecular consequence: missense variant. On other transcripts: 5 prime UTR variant (1), non-coding transcript variant (5).
Genome position (GRCh38, 1-based): chr16:2,064,297, T>C. VCF-style: chr16-2064297-T-C. GRCh37 (hg19) VCF-style: chr16-2114298-T-C.
Other names: c.1469T>C, p.Ile490Thr (NM_001406665.1, NM_001077183.3, NM_001114382.3 and 6 more transcripts); c.1559T>C, p.Ile520Thr (NM_001406667.1, NM_001406668.1); c.1358T>C, p.Ile453Thr (NM_001406670.1, NM_001406678.1, NM_001318827.2); c.1457T>C, p.Ile486Thr (NM_001406671.1, NM_001406673.1); c.1322T>C, p.Ile441Thr (NM_001406675.1, NM_001406676.1, NM_001318829.2 and 1 more transcripts); c.1412T>C, p.Ile471Thr (NM_001406677.1); c.869T>C, p.Ile290Thr (NM_001406688.1, NM_001318831.2, NM_001406680.1 and 6 more transcripts); c.125T>C, p.Ile42Thr (NM_001406689.1, NM_001406690.1, NM_001406691.1 and 6 more transcripts); and 3 more; short protein forms I441T, I520T, I42T, I490T, I501T, I290T, I336T, I453T.
Identifiers: ClinVar variation 2747062 (VCV002747062.3), dbSNP rs2548570094, ClinGen allele CA394325719.

ClinVar aggregate classification (germline): Uncertain significance (1 of 4 stars; one submission).

Conditions:
Tuberous sclerosis 2 (TSC2). Identifiers: Orphanet 805, MedGen C1860707, MONDO:0013199, OMIM 613254.

Submission:

Labcorp Genetics (formerly Invitae), Labcorp
Classification: Uncertain significance for Tuberous sclerosis 2. Last evaluated: 2023-07-26. Review status: criteria provided, single submitter. Criteria: Invitae Variant Classification Sherloc (09022015). Collection method: clinical testing. Allele origin: germline.
Comment: In summary, the available evidence is currently insufficient to determine the role of this variant in disease. Therefore, it has been classified as a Variant of Uncertain Significance. Advanced modeling of protein sequence and biophysical properties (such as structural, functional, and spatial information, amino acid conservation, physicochemical variation, residue mobility, and thermodynamic stability) performed at Invitae indicates that this missense variant is not expected to disrupt TSC2 protein function. This variant has not been reported in the literature in individuals affected with TSC2-related conditions. This variant is not present in population databases (gnomAD no frequency). This sequence change replaces isoleucine, which is neutral and non-polar, with threonine, which is neutral and polar, at codon 490 of the TSC2 protein (p.Ile490Thr).